The following is an entry in ClinVar:

NM_001130438.3(SPTAN1):c.1086-2A>C

Gene: SPTAN1 (spectrin alpha, non-erythrocytic 1; plus strand). Cytogenetic location: 9q34.11.
Variant type: single nucleotide variant.
Coding change: c.1086-2A>C on transcript NM_001130438.3 (MANE Select); the canonical splice acceptor site of the intron before coding-DNA position 1086, A replaced by C.
Molecular consequence: splice acceptor variant.
Genome position (GRCh38, 1-based): chr9:128,578,108, A>C. VCF-style: chr9-128578108-A-C. GRCh37 (hg19) VCF-style: chr9-131340387-A-C.
Other names: c.1122-2A>C (NM_001375318.1, NM_001375312.2); c.1086-2A>C (NM_001375311.2, NM_001375314.2, NM_001375310.1 and 5 more transcripts).
Identifiers: ClinVar variation 1516322 (VCV001516322.7), dbSNP rs2131028639, ClinGen allele CA375051035.

ClinVar aggregate classification (germline): Likely pathogenic (1 of 4 stars; one submission).

Conditions:
Early-infantile DEE. Also called: Early infantile epileptic encephalopathy; Early infantile epileptic encephalopathy with suppression bursts; Ohtahara syndrome. Identifiers: Orphanet 1934, MedGen C0393706, MONDO:0800491.

Submission:

Labcorp Genetics (formerly Invitae), Labcorp
Classification: Likely pathogenic for Early-infantile DEE. Last evaluated: 2021-07-21. Review status: criteria provided, single submitter. Criteria: Invitae Variant Classification Sherloc (09022015). Collection method: clinical testing. Allele origin: germline.
Comment: This variant is not present in population databases (ExAC no frequency). This sequence change affects an acceptor splice site in intron 8 of the SPTAN1 gene. It is expected to disrupt RNA splicing. Variants that disrupt the donor or acceptor splice site typically lead to a loss of protein function (PMID: 16199547), and loss-of-function variants in SPTAN1 are known to be pathogenic (PMID: 31332438, 33206935). This variant has not been reported in the literature in individuals affected with SPTAN1-related conditions. Algorithms developed to predict the effect of sequence changes on RNA splicing suggest that this variant may disrupt the consensus splice site. In summary, the currently available evidence indicates that the variant is pathogenic, but additional data are needed to prove that conclusively. Therefore, this variant has been classified as Likely Pathogenic.

Literature cited by the submitters: PubMed 16199547; PubMed 31332438; PubMed 33206935.